The following is an entry in ClinVar:

ClinVar aggregate classification (germline): Uncertain significance (1 of 4 stars; one submission).

Conditions:
Carnitine palmitoyltransferase II deficiency. Also called: Carnitine Palmitoyltransferase 2 Deficiency. Identifiers: Orphanet 157, MedGen C0342790, MONDO:0015515.

Submission:

Labcorp Genetics (formerly Invitae), Labcorp
Classification: Uncertain significance for Carnitine palmitoyltransferase II deficiency. Last evaluated: 2021-08-15. Review status: criteria provided, single submitter. Criteria: Invitae Variant Classification Sherloc (09022015). Collection method: clinical testing. Allele origin: germline.
Comment: In summary, the available evidence is currently insufficient to determine the role of this variant in disease. Therefore, it has been classified as a Variant of Uncertain Significance. Advanced modeling of protein sequence and biophysical properties (such as structural, functional, and spatial information, amino acid conservation, physicochemical variation, residue mobility, and thermodynamic stability) performed at Invitae indicates that this missense variant is not expected to disrupt CPT2 protein function. This variant has not been reported in the literature in individuals affected with CPT2-related conditions. This variant is not present in population databases (ExAC no frequency). This sequence change replaces glutamic acid with valine at codon 81 of the CPT2 protein (p.Glu81Val). The glutamic acid residue is highly conserved and there is a moderate physicochemical difference between glutamic acid and valine.

NM_000098.3(CPT2):c.242A>T (p.Glu81Val)

Gene: CPT2 (carnitine palmitoyltransferase 2; plus strand). Cytogenetic location: 1p32.3.
Variant type: single nucleotide variant.
Coding change: c.242A>T on transcript NM_000098.3 (MANE Select); coding-DNA position 242, A replaced by T.
Protein change: p.Glu81Val; replaces glutamic acid 81 with valine.
Molecular consequence: missense variant.
Genome position (GRCh38, 1-based): chr1:53,202,331, A>T. VCF-style: chr1-53202331-A-T. GRCh37 (hg19) VCF-style: chr1-53668003-A-T.
Other names: c.242A>T, p.Glu81Val (NM_001330589.2); short protein forms E81V.
Identifiers: ClinVar variation 1375125 (VCV001375125.6), dbSNP rs2100261773, ClinGen allele CA340389423.